The following is an entry in ClinVar:

NM_001394062.1(MACF1):c.1157A>T (p.Lys386Ile)

Gene: MACF1 (microtubule actin crosslinking factor 1; plus strand). Cytogenetic location: 1p34.3.
Variant type: single nucleotide variant.
Coding change: c.1157A>T on transcript NM_001394062.1 (MANE Select); coding-DNA position 1157, A replaced by T.
Protein change: p.Lys386Ile; replaces lysine 386 with isoleucine.
Molecular consequence: missense variant.
Genome position (GRCh38, 1-based): chr1:39,285,108, A>T. VCF-style: chr1-39285108-A-T. GRCh37 (hg19) VCF-style: chr1-39750780-A-T.
Other names: c.1172A>T, p.Lys391Ile (NM_012090.5); c.1172A>T (NM_012090.4); short protein forms K386I, K391I.
Identifiers: ClinVar variation 2183577 (VCV002183577.7), dbSNP rs760522659, ClinGen allele CA779373.

ClinVar aggregate classification (germline): Conflicting classifications of pathogenicity. Review status: criteria provided, conflicting classifications (1 of 4 stars). 3 submissions from 3 submitters: Uncertain significance (2); Likely benign (1). Last evaluated 2026-04-07.

Conditions:
Inborn genetic diseases. Identifiers: MedGen C0950123, MeSH D030342.

Allele frequency attached by ClinVar (database versions not stated): ExAC 0.00001; gnomAD 0.00002; TOPMed 0.00003.
gnomAD v4.1: 10 of 1,614,084 alleles (0.00062%); highest among the groups gnomAD compares: Admixed American, 0.017%; no homozygotes.

Submissions (3):

GeneDx
Classification: Uncertain significance. Last evaluated: 2026-04-07. Review status: criteria provided, single submitter. Criteria: GeneDx Variant Classification Process June 2021. Collection method: clinical testing. Allele origin: germline.
Comment: In silico analysis supports that this missense variant has a deleterious effect on protein structure/function; Has not been previously published as pathogenic or benign to our knowledge

Ambry Genetics
Classification: Likely benign for Inborn genetic diseases. Last evaluated: 2023-11-15. Review status: criteria provided, single submitter. Criteria: Ambry Variant Classification Scheme 2023. Collection method: clinical testing. Allele origin: germline.

Labcorp Genetics (formerly Invitae), Labcorp
Classification: Uncertain significance. Last evaluated: 2022-09-06. Review status: criteria provided, single submitter. Criteria: Invitae Variant Classification Sherloc (09022015). Collection method: clinical testing. Allele origin: germline.
Comment: This sequence change replaces lysine, which is basic and polar, with isoleucine, which is neutral and non-polar, at codon 391 of the MACF1 protein (p.Lys391Ile). This variant is present in population databases (rs760522659, gnomAD 0.009%). This variant has not been reported in the literature in individuals affected with MACF1-related conditions. Algorithms developed to predict the effect of missense changes on protein structure and function are either unavailable or do not agree on the potential impact of this missense change (SIFT: "Deleterious"; PolyPhen-2: "Possibly Damaging"; Align-GVGD: "Class C15"). In summary, the available evidence is currently insufficient to determine the role of this variant in disease. Therefore, it has been classified as a Variant of Uncertain Significance.